The following is an entry in ClinVar:

ClinVar aggregate classification (germline): Uncertain significance (1 of 4 stars; one submission).

Conditions:
Hereditary cancer-predisposing syndrome. Also called: Tumor predisposition; Hereditary neoplastic syndrome; Neoplastic Syndromes, Hereditary; Hereditary Cancer Syndrome. Identifiers: Orphanet 140162, MedGen C0027672, MeSH D009386, MONDO:0015356.

Submission:

Ambry Genetics
Classification: Uncertain significance for Hereditary cancer-predisposing syndrome. Last evaluated: 2019-09-04. Review status: criteria provided, single submitter. Criteria: Ambry Variant Classification Scheme 2023. Collection method: clinical testing. Allele origin: germline.
Comment: The p.P46T variant (also known as c.136C>A), located in coding exon 2 of the BRCA2 gene, results from a C to A substitution at nucleotide position 136. The proline at codon 46 is replaced by threonine, an amino acid with highly similar properties. This amino acid position is not well conserved in available vertebrate species. In addition, this alteration is predicted to be tolerated by in silico analysis. Since supporting evidence is limited at this time, the clinical significance of this alteration remains unclear.

NM_000059.4(BRCA2):c.136C>A (p.Pro46Thr)

Gene: BRCA2 (BRCA2 DNA repair associated; plus strand). Cytogenetic location: 13q13.1.
Variant type: single nucleotide variant.
Coding change: c.136C>A on transcript NM_000059.4 (MANE Select); coding-DNA position 136, C replaced by A.
Protein change: p.Pro46Thr; replaces proline 46 with threonine.
Molecular consequence: missense variant.
Genome position (GRCh38, 1-based): chr13:32,319,145, C>A. VCF-style: chr13-32319145-C-A. GRCh37 (hg19) VCF-style: chr13-32893282-C-A.
Other names: short protein forms P46T.
Identifiers: ClinVar variation 819023 (VCV000819023.4), dbSNP rs80358425, ClinGen allele CA387754254.
Genomic context (GRCh38, chr13:32,319,145, plus strand): 5'-CCAATAAGTCTTAATTGGTTTGAAGAACTTTCTTCAGAAGCTCCACCCTATAATTCTGAA[C>A]CTGCAGAAGAATCTGAACATAAAAACAACAATTACGAACCAAACCTATTTAAAACTCCAC-3'
Protein context (NP_000050.3, residues 36-56): SSEAPPYNSE[Pro46Thr]AEESEHKNNN